The following is an entry in ClinVar:

ClinVar aggregate classification (germline): Uncertain significance (1 of 4 stars; one submission).

Submission:

Labcorp Genetics (formerly Invitae), Labcorp
Classification: Uncertain significance. Last evaluated: 2026-01-24. Review status: criteria provided, single submitter. Criteria: Invitae Variant Classification Sherloc (09022015). Collection method: clinical testing. Allele origin: germline.
Comment: This sequence change creates a premature translational stop signal (p.Asp630Glyfs*14) in the CTR9 gene. It is expected to result in an absent or disrupted protein product. However, the current clinical and genetic evidence is not sufficient to establish whether loss-of-function variants in CTR9 cause disease. This variant is not present in population databases (gnomAD no frequency). This variant has not been reported in the literature in individuals affected with CTR9-related conditions. In summary, the available evidence is currently insufficient to determine the role of this variant in disease. Therefore, it has been classified as a Variant of Uncertain Significance.

NM_014633.5(CTR9):c.1888dup (p.Asp630fs)

Gene: CTR9 (CTR9 component of Paf1/RNA polymerase II complex; plus strand). Cytogenetic location: 11p15.4.
Variant type: Duplication.
Coding change: c.1888dup on transcript NM_014633.5 (MANE Select); coding-DNA position 1888, one base duplicated (G; older notation c.1888dupG).
Protein change: p.Asp630fs; shifts the reading frame from aspartic acid 630.
Molecular consequence: frameshift variant.
Genome position (GRCh38, 1-based): chr11:10,768,089, G duplicated. VCF-style (leftmost placement, unchanged base first): chr11-10768088-A-AG. GRCh37 (hg19) VCF-style: chr11-10789635-A-AG.
Other names: c.1888dup, p.Asp630fs (NM_001346279.2); short protein forms D630fs.
Identifiers: ClinVar variation 4717604 (VCV004717604.1).